The following is an entry in ClinVar:

NM_000478.6(ALPL):c.1143C>G (p.His381Gln)

Gene: ALPL (alkaline phosphatase, biomineralization associated; plus strand). Cytogenetic location: 1p36.12.
Variant type: single nucleotide variant.
Coding change: c.1143C>G on transcript NM_000478.6 (MANE Select); coding-DNA position 1143, C replaced by G.
Protein change: p.His381Gln; replaces histidine 381 with glutamine.
Molecular consequence: missense variant.
Genome position (GRCh38, 1-based): chr1:21,575,878, C>G. VCF-style: chr1-21575878-C-G. GRCh37 (hg19) VCF-style: chr1-21902371-C-G.
Other names: c.978C>G, p.His326Gln (NM_001127501.4); c.912C>G, p.His304Gln (NM_001177520.3); c.1143C>G, p.His381Gln (NM_001369803.2, NM_001369804.2, NM_001369805.2); short protein forms H304Q, H326Q, H381Q.
Identifiers: ClinVar variation 827667 (VCV000827667.10), dbSNP rs749419329, ClinGen allele CA338881382.

ClinVar aggregate classification (germline): Conflicting classifications of pathogenicity. Review status: criteria provided, conflicting classifications (1 of 4 stars). 2 submissions from 2 submitters: Likely pathogenic (1); Uncertain significance (1). Last evaluated 2022-03-18.

Submissions (2):

Labcorp Genetics (formerly Invitae), Labcorp
Classification: Likely pathogenic. Last evaluated: 2022-03-18. Review status: criteria provided, single submitter. Criteria: Invitae Variant Classification Sherloc (09022015). Collection method: clinical testing. Allele origin: germline.
Comment: This variant disrupts the p.His381 amino acid residue in ALPL. Other variant(s) that disrupt this residue have been determined to be pathogenic (PMID: 10679946, 28401263). This suggests that this residue is clinically significant, and that variants that disrupt this residue are likely to be disease-causing. This sequence change replaces histidine, which is basic and polar, with glutamine, which is neutral and polar, at codon 381 of the ALPL protein (p.His381Gln). This variant is not present in population databases (gnomAD no frequency). This variant has not been reported in the literature in individuals affected with ALPL-related conditions. ClinVar contains an entry for this variant (Variation ID: 827667). Advanced modeling of protein sequence and biophysical properties (such as structural, functional, and spatial information, amino acid conservation, physicochemical variation, residue mobility, and thermodynamic stability) performed at Invitae indicates that this missense variant is expected to disrupt ALPL protein function. In summary, the currently available evidence indicates that the variant is pathogenic, but additional data are needed to prove that conclusively. Therefore, this variant has been classified as Likely Pathogenic.

MVZ Dr. Eberhard & Partner Dortmund
Classification: Uncertain significance. Last evaluated: 2019-08-19. Review status: criteria provided, single submitter. Criteria: ACMG Guidelines, 2015. Collection method: clinical testing. Allele origin: unknown. Observed: 1 heterozygote.
Comment: This variant is absent from controls like ESP, 1000 genomes or gnomAD. Multiple lines of computational evidence support a deleterious effect of c.1143C>G for p.(His381Gln) (SIFT: predict not tolerated; Mutation Taster: diesease causing; Polyphen: HumDiv+ HumVar: probably damaging). In silico analyses give no hint that this variant affects splicing. Amino acid 381 seems to be a part of the active site (Zurutuza et al., Hum Mol Genet. 1999 Jun;8(6):1039-1046). The mutation for p.His381Arg at the same codon was found compound heterozygous to the known pathogenic mutation p.Ala40Val in an individual with perinatal lethal hypophosphatasia (Taillandier et al., Hum Mutat. 2000 Mar;15(3):293). In summary c.1143C>G for p.(His381Gln) might be a pathogenic mutation but a final classification of this variant is not possible yet.

Literature cited by the submitters: PubMed 10679946 (cited by Labcorp Genetics (formerly Invitae), Labcorp and MVZ Dr. Eberhard & Partner Dortmund); PubMed 28401263 (cited by Labcorp Genetics (formerly Invitae), Labcorp); PubMed 10332035 (cited by MVZ Dr. Eberhard & Partner Dortmund).